The following is an entry in ClinVar:

NM_003036.4(SKI):c.1754G>A (p.Arg585His)

Gene: SKI (SKI proto-oncogene; plus strand). Cytogenetic location: 1p36.32.
Variant type: single nucleotide variant.
Coding change: c.1754G>A on transcript NM_003036.4 (MANE Select); coding-DNA position 1754, G replaced by A.
Protein change: p.Arg585His; replaces arginine 585 with histidine.
Molecular consequence: missense variant.
Genome position (GRCh38, 1-based): chr1:2,304,572, G>A. VCF-style: chr1-2304572-G-A. GRCh37 (hg19) VCF-style: chr1-2236011-G-A.
Other names: short protein forms R585H.
Identifiers: ClinVar variation 854684 (VCV000854684.15), dbSNP rs1251950898, ClinGen allele CA337957886.

ClinVar aggregate classification (germline): Uncertain significance. Review status: criteria provided, multiple submitters, no conflicts (2 of 4 stars). 4 submissions from 4 submitters: Uncertain significance (4). Last evaluated 2025-07-25.

Conditions:
Familial thoracic aortic aneurysm and aortic dissection (TAAD). Also called: Thoracic aortic aneurysms and dissections. Identifiers: Orphanet 91387, MedGen C4707243, MONDO:0019625.
Shprintzen-Goldberg syndrome (SGS). Also called: Marfanoid disorder with craniosynostosis type 1; Marfanoid craniosynostosis syndrome; Shprintzen-Goldberg marfanoid syndrome; SHPRINTZEN-GOLDBERG CRANIOSYNOSTOSIS SYNDROME; CRANIOSYNOSTOSIS WITH ARACHNODACTYLY AND ABDOMINAL HERNIAS. Identifiers: Orphanet 2462, MedGen C1321551, MONDO:0008426, OMIM 182212.

Allele frequency attached by ClinVar (database versions not stated): gnomAD exomes 0.00001; TOPMed 0.00002.

Submissions (4):

Labcorp Genetics (formerly Invitae), Labcorp
Classification: Uncertain significance for Shprintzen-Goldberg syndrome. Last evaluated: 2025-07-25. Review status: criteria provided, single submitter. Criteria: Invitae Variant Classification Sherloc (09022015). Collection method: clinical testing. Allele origin: germline.
Comment: This sequence change replaces arginine, which is basic and polar, with histidine, which is basic and polar, at codon 585 of the SKI protein (p.Arg585His). This variant is not present in population databases (gnomAD no frequency). This variant has not been reported in the literature in individuals affected with SKI-related conditions. ClinVar contains an entry for this variant (Variation ID: 854684). Invitae Evidence Modeling of protein sequence and biophysical properties (such as structural, functional, and spatial information, amino acid conservation, physicochemical variation, residue mobility, and thermodynamic stability) indicates that this missense variant is not expected to disrupt SKI protein function with a negative predictive value of 95%. In summary, the available evidence is currently insufficient to determine the role of this variant in disease. Therefore, it has been classified as a Variant of Uncertain Significance.

Ambry Genetics
Classification: Uncertain significance for Familial thoracic aortic aneurysm and aortic dissection. Last evaluated: 2025-05-24. Review status: criteria provided, single submitter. Criteria: Ambry Variant Classification Scheme 2023. Collection method: clinical testing. Allele origin: germline.
Comment: The p.R585H variant (also known as c.1754G>A), located in coding exon 5 of the SKI gene, results from a G to A substitution at nucleotide position 1754. The arginine at codon 585 is replaced by histidine, an amino acid with highly similar properties. This amino acid position is conserved. In addition, the in silico prediction for this alteration is inconclusive. Since supporting evidence is limited at this time, the clinical significance of this alteration remains unclear.

Laboratorio de Genetica e Diagnostico Molecular, Hospital Israelita Albert Einstein
Classification: Uncertain significance for Shprintzen-Goldberg syndrome. Last evaluated: 2022-08-19. Review status: criteria provided, single submitter. Criteria: ACMG Guidelines, 2015. Collection method: clinical testing. Allele origin: germline. Affected: yes.
Comment: ACMG classification criteria: PM2 moderated

GeneDx
Classification: Uncertain significance. Last evaluated: 2019-04-08. Review status: criteria provided, single submitter. Criteria: GeneDx Variant Classification Process June 2021. Collection method: clinical testing. Allele origin: germline. Affected: yes.
Comment: Has not been previously published as pathogenic or benign to our knowledge; In silico analysis, which includes protein predictors and evolutionary conservation, supports that this variant does not alter protein structure/function; Not observed in large population cohorts (Lek et al., 2016)